The following is an entry in ClinVar:

ClinVar aggregate classification (germline): Uncertain significance (1 of 4 stars; one submission).

Conditions:
Shprintzen-Goldberg syndrome (SGS). Also called: SHPRINTZEN-GOLDBERG CRANIOSYNOSTOSIS SYNDROME; CRANIOSYNOSTOSIS WITH ARACHNODACTYLY AND ABDOMINAL HERNIAS; Marfanoid disorder with craniosynostosis type 1; Marfanoid craniosynostosis syndrome; Shprintzen-Goldberg marfanoid syndrome. Identifiers: Orphanet 2462, MedGen C1321551, MONDO:0008426, OMIM 182212.

Allele frequency attached by ClinVar (database versions not stated): gnomAD exomes below 0.00001.
gnomAD v4.1: 2 of 1,571,322 alleles (0.00013%); highest among the groups gnomAD compares: Non-Finnish European, 0.00017%; no homozygotes.

Submission:

Labcorp Genetics (formerly Invitae), Labcorp
Classification: Uncertain significance for Shprintzen-Goldberg syndrome. Last evaluated: 2022-06-26. Review status: criteria provided, single submitter. Criteria: Invitae Variant Classification Sherloc (09022015). Collection method: clinical testing. Allele origin: germline.
Comment: This sequence change falls in intron 5 of the SKI gene. It does not directly change the encoded amino acid sequence of the SKI protein. It affects a nucleotide within the consensus splice site. This variant is not present in population databases (gnomAD no frequency). This variant has not been reported in the literature in individuals affected with SKI-related conditions. Variants that disrupt the consensus splice site are a relatively common cause of aberrant splicing (PMID: 17576681, 9536098). Algorithms developed to predict the effect of sequence changes on RNA splicing suggest that this variant is not likely to affect RNA splicing. In summary, the available evidence is currently insufficient to determine the role of this variant in disease. Therefore, it has been classified as a Variant of Uncertain Significance.

Literature cited by the submitters: PubMed 17576681; PubMed 9536098.

NM_003036.4(SKI):c.1768-3C>T

Gene: SKI (SKI proto-oncogene; plus strand). Cytogenetic location: 1p36.32.
Variant type: single nucleotide variant.
Coding change: c.1768-3C>T on transcript NM_003036.4 (MANE Select); 3 bases into the intron before coding-DNA position 1768, C replaced by T.
Molecular consequence: intron variant.
Genome position (GRCh38, 1-based): chr1:2,306,017, C>T. VCF-style: chr1-2306017-C-T. GRCh37 (hg19) VCF-style: chr1-2237456-C-T.
Identifiers: ClinVar variation 2420474 (VCV002420474.6), dbSNP rs2521510930, ClinGen allele CA2580061403.